The following is an entry in ClinVar:

NM_006206.6(PDGFRA):c.1615A>T (p.Ile539Phe)

Gene: PDGFRA (platelet derived growth factor receptor alpha; plus strand). Cytogenetic location: 4q12.
Variant type: single nucleotide variant.
Coding change: c.1615A>T on transcript NM_006206.6 (MANE Select); coding-DNA position 1615, A replaced by T.
Protein change: p.Ile539Phe; replaces isoleucine 539 with phenylalanine.
Molecular consequence: missense variant.
Genome position (GRCh38, 1-based): chr4:54,274,587, A>T. VCF-style: chr4-54274587-A-T. GRCh37 (hg19) VCF-style: chr4-55140754-A-T.
Other names: c.1615A>T, p.Ile539Phe (NM_001347827.2, NM_001347829.2); c.1690A>T, p.Ile564Phe (NM_001347828.2); c.1654A>T, p.Ile552Phe (NM_001347830.2); short protein forms I539F, I552F, I564F.
Identifiers: ClinVar variation 2615413 (VCV002615413.2), dbSNP rs866516451, ClinGen allele CA356892928.

ClinVar aggregate classification (germline): Uncertain significance (1 of 4 stars; one submission).

Conditions:
Hereditary cancer-predisposing syndrome. Also called: Tumor predisposition; Hereditary Cancer Syndrome; Hereditary neoplastic syndrome; Neoplastic Syndromes, Hereditary. Identifiers: Orphanet 140162, MedGen C0027672, MeSH D009386, MONDO:0015356.

Submission:

Ambry Genetics
Classification: Uncertain significance for Hereditary cancer-predisposing syndrome. Last evaluated: 2023-06-18. Review status: criteria provided, single submitter. Criteria: Ambry Variant Classification Scheme 2023. Collection method: clinical testing. Allele origin: germline.
Comment: The p.I539F variant (also known as c.1615A>T), located in coding exon 10 of the PDGFRA gene, results from an A to T substitution at nucleotide position 1615. The isoleucine at codon 539 is replaced by phenylalanine, an amino acid with highly similar properties. This amino acid position is conserved. In addition, this alteration is predicted to be deleterious by in silico analysis. Since supporting evidence is limited at this time, the clinical significance of this alteration remains unclear.